The following is an entry in ClinVar:

NM_006361.6(HOXB13):c.398A>G (p.Tyr133Cys)

Gene: HOXB13 (homeobox B13; minus strand). Cytogenetic location: 17q21.32.
Variant type: single nucleotide variant.
Coding change: c.398A>G on transcript NM_006361.6 (MANE Select); coding-DNA position 398, A replaced by G.
Protein change: p.Tyr133Cys; replaces tyrosine 133 with cysteine.
Molecular consequence: missense variant.
Genome position (GRCh38, 1-based): chr17:48,728,196, T>C on the plus strand (A>G on the coding strand, the complement: HOXB13 is on the minus strand). VCF-style: chr17-48728196-T-C. GRCh37 (hg19) VCF-style: chr17-46805558-T-C.
Other names: short protein forms Y133C.
Identifiers: ClinVar variation 1736747 (VCV001736747.2), dbSNP rs2509515112, ClinGen allele CA400107539.

ClinVar aggregate classification (germline): Uncertain significance (1 of 4 stars; one submission).

Conditions:
Hereditary cancer-predisposing syndrome. Also called: Neoplastic Syndromes, Hereditary; Tumor predisposition; Hereditary Cancer Syndrome; Hereditary neoplastic syndrome. Identifiers: Orphanet 140162, MedGen C0027672, MeSH D009386, MONDO:0015356.

Submission:

Ambry Genetics
Classification: Uncertain significance for Hereditary cancer-predisposing syndrome. Last evaluated: 2020-01-22. Review status: criteria provided, single submitter. Criteria: Ambry Variant Classification Scheme 2023. Collection method: clinical testing. Allele origin: germline.
Comment: The p.Y133C variant (also known as c.398A>G), located in coding exon 1 of the HOXB13 gene, results from an A to G substitution at nucleotide position 398. The tyrosine at codon 133 is replaced by cysteine, an amino acid with highly dissimilar properties. This amino acid position is highly conserved in available vertebrate species. In addition, this alteration is predicted to be deleterious by in silico analysis. Since supporting evidence is limited at this time, the clinical significance of this alteration remains unclear.